The following is an entry in ClinVar:

ClinVar aggregate classification (germline): Pathogenic (1 of 4 stars; one submission).

Conditions:
Glycogen storage disease, type II (IOPD). Also called: GAA DEFICIENCY, INFANTILE-ONSET; ACID MALTASE DEFICIENCY, INFANTILE-ONSET; POMPE DISEASE, INFANTILE-ONSET; Pompe Disease; CARDIOMEGALIA GLYCOGENICA DIFFUSA; GLYCOGENOSIS, GENERALIZED, CARDIAC FORM. Identifiers: Orphanet 365, MedGen C0017921, MONDO:0009290, OMIM 232300.

Submission:

Labcorp Genetics (formerly Invitae), Labcorp
Classification: Pathogenic for Glycogen storage disease, type II. Last evaluated: 2022-06-20. Review status: criteria provided, single submitter. Criteria: Invitae Variant Classification Sherloc (09022015). Collection method: clinical testing. Allele origin: germline.
Comment: This sequence change creates a premature translational stop signal (p.Pro364Argfs*28) in the GAA gene. It is expected to result in an absent or disrupted protein product. Loss-of-function variants in GAA are known to be pathogenic (PMID: 18425781, 22252923). This variant is not present in population databases (gnomAD no frequency). This variant has not been reported in the literature in individuals affected with GAA-related conditions. For these reasons, this variant has been classified as Pathogenic.

Literature cited by the submitters: PubMed 18425781; PubMed 22252923.

NM_000152.5(GAA):c.1091del (p.Pro364fs)

Gene: GAA (alpha glucosidase; plus strand). Cytogenetic location: 17q25.3.
Variant type: Deletion.
Coding change: c.1091del on transcript NM_000152.5 (MANE Select); coding-DNA position 1091, one base deleted (C; older notation c.1091delC).
Protein change: p.Pro364fs; shifts the reading frame from proline 364.
Molecular consequence: frameshift variant.
Genome position (GRCh38, 1-based): chr17:80,108,504, C deleted; the last of 2 consecutive C bases (chr17:80,108,503-80,108,504); deleting either gives the same sequence. VCF-style (leftmost placement, unchanged base first): chr17-80108502-GC-G. GRCh37 (hg19) VCF-style: chr17-78082301-GC-G.
Other names: c.1091del, p.Pro364fs (NM_001079803.3, NM_001079804.3); short protein forms P364fs.
Identifiers: ClinVar variation 1451590 (VCV001451590.6), dbSNP rs2143854659, ClinGen allele CA2573154955.
Genomic context (GRCh38, chr17:80,108,502, plus strand): 5'-CCAAGGCTCCCTCCTCCCTCCCTCATGAAGTCGGCGTTGGCCTGCAGGATACCCGTTCAT[GC>G]CGCCATACTGGGGCCTGGGCTTCCACCTGTGCCGCTGGGGCTACTCCTCCACCGCTATCA-3'